The following is an entry in ClinVar:

NM_001385.3(DPYS):c.1078T>C (p.Trp360Arg)

Gene: DPYS (dihydropyrimidinase; minus strand). Cytogenetic location: 8q22.3.
Variant type: single nucleotide variant.
Coding change: c.1078T>C on transcript NM_001385.3 (MANE Select); coding-DNA position 1078, T replaced by C.
Protein change: p.Trp360Arg; replaces tryptophan 360 with arginine.
Molecular consequence: missense variant.
Genome position (GRCh38, 1-based): chr8:104,427,994, A>G on the plus strand (T>C on the coding strand, the complement: DPYS is on the minus strand). VCF-style: chr8-104427994-A-G. GRCh37 (hg19) VCF-style: chr8-105440222-A-G.
Other names: short protein forms W360R.
Identifiers: ClinVar variation 186 (VCV000000186.11), dbSNP rs121964924, ClinGen allele CA114024.

ClinVar aggregate classification (germline): Pathogenic/Likely pathogenic. Review status: criteria provided, multiple submitters, no conflicts (2 of 4 stars). 5 submissions from 5 submitters: Pathogenic (3); Likely pathogenic (1). 1 of the submissions does not count toward it. Last evaluated 2025-03-14.

Conditions:
Dihydropyrimidinase deficiency (DPYSD). Also called: DPH DEFICIENCY; DPYS DEFICIENCY; dihydropyrimidinuria. Identifiers: Orphanet 38874, MedGen C0342803, MONDO:0009111, OMIM 222748.

Allele frequency attached by ClinVar (database versions not stated): gnomAD exomes 0.00003 and 0.00005; gnomAD 0.00004 and 0.00005; ExAC 0.00007; TOPMed 0.00008; 1000 Genomes Project 30x 0.00016; 1000 Genomes Project 0.00020.
gnomAD v4.1: 53 of 1,614,194 alleles (0.0033%); highest among the groups gnomAD compares: Middle Eastern, 0.12%; no homozygotes.

Submissions (5):

First Genomix Gene Laboratory, Genetic Diagnostics Department
Classification: Pathogenic for Dihydropyrimidinase deficiency. Last evaluated: 2025-03-14. Review status: criteria provided, single submitter. Criteria: ACMG Guidelines, 2015. Collection method: clinical testing. Allele origin: germline. Inheritance: Autosomal recessive inheritance. Affected: no. Observed: 1 variant allele.

GeneDx
Classification: Likely pathogenic. Last evaluated: 2025-01-15. Review status: criteria provided, single submitter. Criteria: GeneDx Variant Classification Process June 2021. Collection method: clinical testing. Allele origin: germline. Affected: yes.
Comment: Published functional studies demonstrate impaired enzymatic activity due to possible conformation changes leading to protein misfolding and instability (PMID: 28642038); In silico analysis supports that this missense variant has a deleterious effect on protein structure/function; This variant is associated with the following publications: (PMID: 9266350, 9718352, 19649633, 27063261, 17383919, 18600547, 20362666, 34426522, 31589614, 31980526, 30409984, 32707991, 35356930, 35961217, 38199782, 28642038)

Genomic Medicine Center of Excellence, King Faisal Specialist Hospital and Research Centre
Classification: Pathogenic for Dihydropyrimidinase deficiency. Last evaluated: 2024-04-04. Review status: criteria provided, single submitter. Criteria: ACMG Guidelines, 2015. Collection method: clinical testing. Allele origin: germline.

Labcorp Genetics (formerly Invitae), Labcorp
Classification: Pathogenic. Last evaluated: 2024-01-25. Review status: criteria provided, single submitter. Criteria: Invitae Variant Classification Sherloc (09022015). Collection method: clinical testing. Allele origin: germline.
Comment: This sequence change replaces tryptophan, which is neutral and slightly polar, with arginine, which is basic and polar, at codon 360 of the DPYS protein (p.Trp360Arg). This variant is present in population databases (rs121964924, gnomAD 0.02%). This missense change has been observed in individual(s) with dihydropyrimidinuria (PMID: 17383919, 20362666). It has also been observed to segregate with disease in related individuals. ClinVar contains an entry for this variant (Variation ID: 186). Advanced modeling of protein sequence and biophysical properties (such as structural, functional, and spatial information, amino acid conservation, physicochemical variation, residue mobility, and thermodynamic stability) performed at Invitae indicates that this missense variant is expected to disrupt DPYS protein function with a positive predictive value of 80%. Experimental studies have shown that this missense change affects DPYS function (PMID: 17383919, 20362666, 28642038). For these reasons, this variant has been classified as Pathogenic.

OMIM
Classification: Pathogenic for DIHYDROPYRIMIDINASE DEFICIENCY. Last evaluated: 1998-09-01. Review status: no assertion criteria provided. Collection method: literature only. Allele origin: germline. Not counted in ClinVar's aggregate classification.

Literature cited by the submitters: PubMed 17383919 (cited by Labcorp Genetics (formerly Invitae), Labcorp); PubMed 20362666 (cited by Labcorp Genetics (formerly Invitae), Labcorp); PubMed 28642038 (cited by Labcorp Genetics (formerly Invitae), Labcorp); PubMed 9718352 (cited by OMIM); PubMed 9266350 (cited by OMIM).